The following is an entry in ClinVar:

ClinVar aggregate classification (germline): Conflicting classifications of pathogenicity. Review status: criteria provided, conflicting classifications (1 of 4 stars). 2 submissions from 2 submitters: Uncertain significance (1); Likely benign (1). Last evaluated 2023-03-23.

Conditions:
Hereditary cancer-predisposing syndrome. Also called: Neoplastic Syndromes, Hereditary; Hereditary Cancer Syndrome; Tumor predisposition; Hereditary neoplastic syndrome. Identifiers: Orphanet 140162, MedGen C0027672, MeSH D009386, MONDO:0015356.
Hereditary breast ovarian cancer syndrome. Also called: Hereditary breast and ovarian cancer syndrome (HBOC); Hereditary breast and ovarian cancer; Breast and ovarian cancer; BRCA1- and BRCA2-Associated Hereditary Breast and Ovarian Cancer; Hereditary breast and ovarian cancer syndrome; Hereditary breast and/or ovarian cancer syndrome. Identifiers: Orphanet 145, MedGen C0677776, MeSH D061325, MONDO:0003582. Disease mechanism: loss of function.

Submissions (2):

University of Washington Department of Laboratory Medicine, University of Washington
Classification: Likely benign for Hereditary cancer-predisposing syndrome. Last evaluated: 2023-03-23. Review status: criteria provided, single submitter. Criteria: Dines et al. (Genet Med. 2020). Collection method: curation. Allele origin: germline.
Comment: Missense variant in a coldspot region where missense variants are very unlikely to be pathogenic (PMID:31911673).

BRCA2 exon 11 coldspot. Reclassification based on statistical prior probability.

Labcorp Genetics (formerly Invitae), Labcorp
Classification: Uncertain significance for Hereditary breast ovarian cancer syndrome. Last evaluated: 2019-05-10. Review status: criteria provided, single submitter. Criteria: Invitae Variant Classification Sherloc (09022015). Collection method: clinical testing. Allele origin: germline.
Comment: In summary, the available evidence is currently insufficient to determine the role of this variant in disease. Therefore, it has been classified as a Variant of Uncertain Significance. Algorithms developed to predict the effect of missense changes on protein structure and function output the following: SIFT: "Deleterious"; PolyPhen-2: "Benign"; Align-GVGD: "Class C0". The glycine amino acid residue is found in multiple mammalian species, suggesting that this missense change does not adversely affect protein function. These predictions have not been confirmed by published functional studies and their clinical significance is uncertain. This variant has not been reported in the literature in individuals with BRCA2-related conditions. This variant is not present in population databases (ExAC no frequency). This sequence change replaces glutamic acid with glycine at codon 705 of the BRCA2 protein (p.Glu705Gly). The glutamic acid residue is moderately conserved and there is a moderate physicochemical difference between glutamic acid and glycine.

NM_000059.4(BRCA2):c.2114A>G (p.Glu705Gly)

Gene: BRCA2 (BRCA2 DNA repair associated; plus strand). Cytogenetic location: 13q13.1.
Variant type: single nucleotide variant.
Coding change: c.2114A>G on transcript NM_000059.4 (MANE Select); coding-DNA position 2114, A replaced by G.
Protein change: p.Glu705Gly; replaces glutamic acid 705 with glycine.
Molecular consequence: missense variant.
Genome position (GRCh38, 1-based): chr13:32,336,469, A>G. VCF-style: chr13-32336469-A-G. GRCh37 (hg19) VCF-style: chr13-32910606-A-G.
Other names: short protein forms E705G.
Identifiers: ClinVar variation 944661 (VCV000944661.11), dbSNP rs2072450678, ClinGen allele CA387769992.
Genomic context (GRCh38, chr13:32,336,469, plus strand): 5'-ATCTTGATTATAAAGAAGCAAAATGTAATAAGGAAAAACTACAGTTATTTATTACCCCAG[A>G]AGCTGATTCTCTGTCATGCCTGCAGGAAGGACAGTGTGAAAATGATCCAAAAAGCAAAAA-3'
Protein context (NP_000050.3, residues 695-715): KEKLQLFITP[Glu705Gly]ADSLSCLQEG